The following is an entry in ClinVar:

NM_178822.5(IGSF10):c.1720G>A (p.Glu574Lys)

Gene: IGSF10 (immunoglobulin superfamily member 10; minus strand). Cytogenetic location: 3q25.1.
Variant type: single nucleotide variant.
Coding change: c.1720G>A on transcript NM_178822.5 (MANE Select); coding-DNA position 1720, G replaced by A.
Protein change: p.Glu574Lys; replaces glutamic acid 574 with lysine.
Molecular consequence: missense variant.
Genome position (GRCh38, 1-based): chr3:151,448,261, C>T on the plus strand (G>A on the coding strand, the complement: IGSF10 is on the minus strand). VCF-style: chr3-151448261-C-T. GRCh37 (hg19) VCF-style: chr3-151166049-C-T.
Other names: c.1720G>A, p.Glu574Lys (NM_001385060.1, NM_001385061.1, NM_001385062.1 and 1 more transcripts); short protein forms E574K.
Identifiers: ClinVar variation 719868 (VCV000719868.12), dbSNP rs116716539, ClinGen allele CA2670490.
Genomic context (GRCh38, chr3:151,448,261, plus strand): 5'-GAAGATCAAGTGTTTCACCAATGAAAACTGTGTGATGAATCCCATTTTCCTGATAGGCTT[C>T]GACCAAAGGTTCTACCACAGTTATCCTATAGGTGAGAATATCTGCATCATCATAATTGCT-3'
Protein context (NP_849144.2, residues 564-584): YRITVVEPLV[Glu574Lys]AYQENGIHHT

ClinVar aggregate classification (germline): Benign. Review status: criteria provided, single submitter (1 of 4 stars). 2 submissions from 2 submitters: Benign (1). 1 of the submissions does not count toward it. Last evaluated 2025-10-08.

Conditions:
IGSF10-related disorder. Also called: IGSF10-related condition.

Allele frequency attached by ClinVar (database versions not stated): 1000 Genomes Project 30x 0.00062; 1000 Genomes Project 0.00080; ESP Exome Variant Server 0.00092; TOPMed 0.00102; gnomAD exomes 0.00214 and 0.00240; gnomAD 0.00224 and 0.00235; ExAC 0.00231.

Submissions (2):

Labcorp Genetics (formerly Invitae), Labcorp
Classification: Benign. Last evaluated: 2025-10-08. Review status: criteria provided, single submitter. Criteria: Invitae Variant Classification Sherloc (09022015). Collection method: clinical testing. Allele origin: germline.

PreventionGenetics, part of Exact Sciences
Classification: Benign for IGSF10-related condition. Last evaluated: 2019-06-04. Review status: no assertion criteria provided. Collection method: clinical testing. Allele origin: germline. Not counted in ClinVar's aggregate classification.
Comment: This variant is classified as benign based on ACMG/AMP sequence variant interpretation guidelines (Richards et al. 2015 PMID: 25741868, with internal and published modifications).